The following is an entry in ClinVar:

NM_024921.4(POF1B):c.1300C>A (p.Gln434Lys)

Gene: POF1B (POF1B actin binding protein; minus strand). Cytogenetic location: Xq21.1.
Variant type: single nucleotide variant.
Coding change: c.1300C>A on transcript NM_024921.4 (MANE Select); coding-DNA position 1300, C replaced by A.
Protein change: p.Gln434Lys; replaces glutamine 434 with lysine.
Molecular consequence: missense variant.
Genome position (GRCh38, 1-based): chrX:85,306,198, G>T on the plus strand (C>A on the coding strand, the complement: POF1B is on the minus strand). VCF-style: chrX-85306198-G-T. GRCh37 (hg19) VCF-style: chrX-84561204-G-T.
Other names: c.1300C>A, p.Gln434Lys (NM_001307940.2); short protein forms Q434K.
Identifiers: ClinVar variation 368786 (VCV000368786.5), dbSNP rs139385491, ClinGen allele CA10464995.
Genomic context (GRCh38, chrX:85,306,198, plus strand): 5'-GTAACTAAGGTAATACTGTATATTTAAAAGGAAGTTTTAATACCTGCATTCTAAGGTTTT[G>T]ATTCTCTTGCTCTAAATTACGTTTACAATATTCCAGTTCTTTTAGTCTGTATTCCATGTC-3'
Protein context (NP_079197.3, residues 424-444): YCKRNLEQEN[Gln434Lys]NLRMQVSETC

ClinVar aggregate classification (germline): Likely benign (1 of 4 stars; one submission).

Conditions:
Premature ovarian failure 2B. Identifiers: MedGen C1845105, MONDO:0010373, OMIM 300604.

Allele frequency attached by ClinVar (database versions not stated): ESP Exome Variant Server 0.00019; 1000 Genomes Project 30x 0.00021; 1000 Genomes Project 0.00026; gnomAD 0.00033 and 0.00034; TOPMed 0.00037; gnomAD exomes 0.00041 and 0.00049; ExAC 0.00046.
gnomAD v4.1: 563 of 1,198,909 alleles (0.047%); highest among the groups gnomAD compares: Admixed American, 0.11%; no homozygotes.

Submission:

Illumina Laboratory Services, Illumina
Classification: Likely benign for Premature ovarian failure 2B. Last evaluated: 2017-04-27. Review status: criteria provided, single submitter. Criteria: ICSL Variant Classification Criteria 13 December 2019. Collection method: clinical testing. Allele origin: germline.
Comment: This variant was observed as part of a predisposition screen in an ostensibly healthy population. A literature search was performed for the gene, cDNA change, and amino acid change (where applicable). Publications were found based on this search. The evidence from the literature, in combination with allele frequency data from public databases where available, was sufficient to determine this variant is unlikely to cause disease. Therefore, this variant is classified as likely benign.

Literature cited by the submitters: PubMed 15459172.